The following is an entry in ClinVar:

NM_004530.6(MMP2):c.501A>G (p.Ala167=)

Gene: MMP2 (matrix metallopeptidase 2; plus strand). Cytogenetic location: 16q12.2.
Variant type: single nucleotide variant.
Coding change: c.501A>G on transcript NM_004530.6 (MANE Select); coding-DNA position 501, A replaced by G.
Protein change: p.Ala167=; no amino-acid change (alanine 167 retained).
Molecular consequence: synonymous variant.
Genome position (GRCh38, 1-based): chr16:55,484,136, A>G. VCF-style: chr16-55484136-A-G. GRCh37 (hg19) VCF-style: chr16-55518048-A-G.
Other names: c.351A>G, p.Ala117= (NM_001127891.3); c.273A>G, p.Ala91= (NM_001302508.1, NM_001302509.2, NM_001302510.2).
Identifiers: ClinVar variation 3046507 (VCV003046507.3), dbSNP rs751256218, ClinGen allele CA8060105.
Genomic context (GRCh38, chr16:55,484,136, plus strand): 5'-CTTCCAAGTCTGGAGCGATGTGACCCCACTGCGGTTTTCTCGAATCCATGATGGAGAGGC[A>G]GACATCATGATCAACTTTGGCCGCTGGGGTAGGCAGAAGATGGGGCAGAAGAGGGGCCAG-3'
Protein context (NP_004521.1, residues 157-177): LRFSRIHDGE[Ala167=]DIMINFGRWE

ClinVar aggregate classification (germline): Likely benign. Review status: criteria provided, single submitter (1 of 4 stars). 2 submissions from 2 submitters: Likely benign (1). 1 of the submissions does not count toward it. Last evaluated 2025-12-15.

Conditions:
MMP2-related disorder. Also called: MMP2-related condition.

Allele frequency attached by ClinVar (database versions not stated): ExAC 0.00002; gnomAD 0.00002; gnomAD exomes 0.00002; TOPMed 0.00004.
gnomAD v4.1: 21 of 1,614,082 alleles (0.0013%); highest among the groups gnomAD compares: Admixed American, 0.018%; no homozygotes.

Submissions (2):

Labcorp Genetics (formerly Invitae), Labcorp
Classification: Likely benign. Last evaluated: 2025-12-15. Review status: criteria provided, single submitter. Criteria: Invitae Variant Classification Sherloc (09022015). Collection method: clinical testing. Allele origin: germline.

PreventionGenetics, part of Exact Sciences
Classification: Likely benign for MMP2-related condition. Last evaluated: 2019-04-01. Review status: no assertion criteria provided. Collection method: clinical testing. Allele origin: germline. Not counted in ClinVar's aggregate classification.
Comment: This variant is classified as likely benign based on ACMG/AMP sequence variant interpretation guidelines (Richards et al. 2015 PMID: 25741868, with internal and published modifications).